The following is an entry in ClinVar:

NM_001287.6(CLCN7):c.1841T>C (p.Leu614Pro)

Gene: CLCN7 (chloride voltage-gated channel 7; minus strand). Cytogenetic location: 16p13.3.
Variant type: single nucleotide variant.
Coding change: c.1841T>C on transcript NM_001287.6 (MANE Select); coding-DNA position 1841, T replaced by C.
Protein change: p.Leu614Pro; replaces leucine 614 with proline.
Molecular consequence: missense variant.
Genome position (GRCh38, 1-based): chr16:1,448,723, A>G on the plus strand (T>C on the coding strand, the complement: CLCN7 is on the minus strand). VCF-style: chr16-1448723-A-G. GRCh37 (hg19) VCF-style: chr16-1498724-A-G.
Other names: c.1769T>C, p.Leu590Pro (NM_001114331.3); short protein forms L614P, L590P.
Identifiers: ClinVar variation 420161 (VCV000420161.2), dbSNP rs1064794323, ClinGen allele CA16620070.

ClinVar aggregate classification (germline): Uncertain significance (1 of 4 stars; one submission).

Submission:

GeneDx
Classification: Uncertain significance. Last evaluated: 2017-04-12. Review status: criteria provided, single submitter. Criteria: GeneDx Variant Classification (06012015). Collection method: clinical testing. Allele origin: germline. Affected: yes.
Comment: The L614P variant was not observed in approximately 6500 individuals of European and African American ancestry in the NHLBI Exome Sequencing Project, indicating it is not a common benign variant in these populations. The L614P variant is a semi-conservative amino acid substitution, which may impact secondary protein structure as these residues differ in some properties. This substitution occurs at a position that is conserved across species and in silico analysis predicts this variant is probably damaging to the protein structure/function. We interpret L614P as a variant of uncertain significance.